The following is an entry in ClinVar:

NM_020117.11(LARS1):c.2515G>A (p.Ala839Thr)

Gene: LARS1 (leucyl-tRNA synthetase 1; minus strand). Cytogenetic location: 5q32.
Variant type: single nucleotide variant.
Coding change: c.2515G>A on transcript NM_020117.11 (MANE Select); coding-DNA position 2515, G replaced by A.
Protein change: p.Ala839Thr; replaces alanine 839 with threonine.
Molecular consequence: missense variant.
Genome position (GRCh38, 1-based): chr5:146,130,131, C>T on the plus strand (G>A on the coding strand, the complement: LARS1 is on the minus strand). VCF-style: chr5-146130131-C-T. GRCh37 (hg19) VCF-style: chr5-145509694-C-T.
Other names: p.A839T:GCT>ACT; c.2377G>A, p.Ala793Thr (NM_001317964.2); c.2353G>A, p.Ala785Thr (NM_001317965.2); c.2434G>A, p.Ala812Thr (NM_016460.4); short protein forms A839T, A785T, A812T, A793T.
Identifiers: ClinVar variation 214575 (VCV000214575.2), dbSNP rs751652832, ClinGen allele CA321167.

ClinVar aggregate classification (germline): Uncertain significance (1 of 4 stars; one submission).

Allele frequency attached by ClinVar (database versions not stated): ExAC 0.00007; gnomAD exomes 0.00003; TOPMed 0.00001.
gnomAD v4.1: 34 of 1,613,636 alleles (0.0021%); highest among the groups gnomAD compares: South Asian, 0.022%; no homozygotes.

Submission:

GeneDx
Classification: Uncertain significance. Last evaluated: 2014-05-02. Review status: criteria provided, single submitter. Criteria: GeneDx Variant Classification (06012015). Collection method: clinical testing. Allele origin: germline. Affected: yes.
Comment: p.Ala839Thr (GCT>ACT): c.2515 G>A in exon 25 of the LARS gene (NM_020117.9). The A839T variant has not been published as a mutation, nor has it been reported as a benign polymorphism to our knowledge. The A839T variant is a non-conservative amino acid substitution, which is likely to impact secondary protein structure as these residues differ in polarity, charge, size and/or other properties. This substitution occurs at a position that is conserved across species. In silico analysis predicts this variant likely does not alter the protein structure/function. Therefore, based on the currently available information, it is unclear whether this variant is a pathogenic mutation or a rare benign variant. The variant is found in MITONUC-MITOP panel(s).